The following is an entry in ClinVar:

NM_000642.3(AGL):c.2560C>A (p.Pro854Thr)

Gene: AGL (amylo-alpha-1,6-glucosidase and 4-alpha-glucanotransferase; plus strand). Cytogenetic location: 1p21.2.
Variant type: single nucleotide variant.
Coding change: c.2560C>A on transcript NM_000642.3 (MANE Select); coding-DNA position 2560, C replaced by A.
Protein change: p.Pro854Thr; replaces proline 854 with threonine.
Molecular consequence: missense variant.
Genome position (GRCh38, 1-based): chr1:99,884,582, C>A. VCF-style: chr1-99884582-C-A. GRCh37 (hg19) VCF-style: chr1-100350138-C-A.
Other names: c.2560C>A, p.Pro854Thr (NM_000028.3, NM_000643.3, NM_000644.3 and 2 more transcripts); c.2512C>A, p.Pro838Thr (NM_000646.3); c.2359C>A, p.Pro787Thr (NM_001425327.1); c.2356C>A, p.Pro786Thr (NM_001425328.1); c.2182C>A, p.Pro728Thr (NM_001425332.1); short protein forms P838T, P854T, P728T, P786T, P787T.
Identifiers: ClinVar variation 1057668 (VCV001057668.9), dbSNP rs1652304925, ClinGen allele CA341321553.
Genomic context (GRCh38, chr1:99,884,582, plus strand): 5'-AATAAATTACTCCTAAAAATTAACCACTTTTTAATTAACATTTTCAGAGTTAGTCTTGAT[C>A]CACATGCACAAGTCGCTGTTGGAATTCTTCGAAATCATCTGACACAATTCAGTCCTCACT-3'
Protein context (NP_000633.2, residues 844-864): SVIIFRVSLD[Pro854Thr]HAQVAVGILR

ClinVar aggregate classification (germline): Uncertain significance (1 of 4 stars; one submission).

Conditions:
Glycogen storage disease type III (GSD3). Also called: Cori disease; FORBES DISEASE. Identifiers: Orphanet 366, MedGen C0017922, MONDO:0009291, OMIM 232400.

Submission:

Labcorp Genetics (formerly Invitae), Labcorp
Classification: Uncertain significance for Glycogen storage disease type III. Last evaluated: 2020-02-19. Review status: criteria provided, single submitter. Criteria: Invitae Variant Classification Sherloc (09022015). Collection method: clinical testing. Allele origin: germline.
Comment: This sequence change replaces proline with threonine at codon 854 of the AGL protein (p.Pro854Thr). The proline residue is moderately conserved and there is a small physicochemical difference between proline and threonine. This variant is not present in population databases (ExAC no frequency). This variant has not been reported in the literature in individuals with AGL-related conditions. Algorithms developed to predict the effect of missense changes on protein structure and function (SIFT, PolyPhen-2, Align-GVGD) all suggest that this variant is likely to be tolerated, but these predictions have not been confirmed by published functional studies and their clinical significance is uncertain. In summary, the available evidence is currently insufficient to determine the role of this variant in disease. Therefore, it has been classified as a Variant of Uncertain Significance.